The following is an entry in ClinVar:

NM_198525.3(KIF7):c.653A>G (p.His218Arg)

Gene: KIF7 (kinesin family member 7; minus strand). Cytogenetic location: 15q26.1.
Variant type: single nucleotide variant.
Coding change: c.653A>G on transcript NM_198525.3 (MANE Select); coding-DNA position 653, A replaced by G.
Protein change: p.His218Arg; replaces histidine 218 with arginine.
Molecular consequence: missense variant.
Genome position (GRCh38, 1-based): chr15:89,649,244, T>C on the plus strand (A>G on the coding strand, the complement: KIF7 is on the minus strand). VCF-style: chr15-89649244-T-C. GRCh37 (hg19) VCF-style: chr15-90192475-T-C.
Other names: short protein forms H218R.
Identifiers: ClinVar variation 1988314 (VCV001988314.4), dbSNP rs1305884128, ClinGen allele CA393775759.

ClinVar aggregate classification (germline): Uncertain significance (1 of 4 stars; one submission).

Conditions:
Acrocallosal syndrome (ACLS). Also called: Schinzel syndrome 1; Absence of corpus callosum with unusual facial appearance, mental deficiency, duplication of the halluces and polydactyly; HALLUX DUPLICATION, POSTAXIAL POLYDACTYLY, AND ABSENCE OF CORPUS CALLOSUM. Identifiers: Orphanet 36, MedGen C0796147, MONDO:0008708, OMIM 200990.

Allele frequency attached by ClinVar (database versions not stated): gnomAD exomes below 0.00001; TOPMed below 0.00001; gnomAD 0.00001.
gnomAD v4.1: 2 of 1,540,600 alleles (0.00013%); highest among the groups gnomAD compares: Non-Finnish European, 0.00018%; no homozygotes.

Submission:

Labcorp Genetics (formerly Invitae), Labcorp
Classification: Uncertain significance for Acrocallosal syndrome. Last evaluated: 2022-08-15. Review status: criteria provided, single submitter. Criteria: Invitae Variant Classification Sherloc (09022015). Collection method: clinical testing. Allele origin: germline.
Comment: Algorithms developed to predict the effect of missense changes on protein structure and function are either unavailable or do not agree on the potential impact of this missense change (SIFT: "Deleterious"; PolyPhen-2: "Possibly Damaging"; Align-GVGD: "Class C0"). This sequence change replaces histidine, which is basic and polar, with arginine, which is basic and polar, at codon 218 of the KIF7 protein (p.His218Arg). This variant is not present in population databases (gnomAD no frequency). This variant has not been reported in the literature in individuals affected with KIF7-related conditions. In summary, the available evidence is currently insufficient to determine the role of this variant in disease. Therefore, it has been classified as a Variant of Uncertain Significance.